The following is an entry in ClinVar:

ClinVar aggregate classification (germline): Likely benign. Review status: criteria provided, multiple submitters, no conflicts (2 of 4 stars). 2 submissions from 2 submitters: Likely benign (2). Last evaluated 2025-03-13.

Conditions:
Pheochromocytoma/paraganglioma syndrome 4. Also called: CAROTID BODY TUMORS AND MULTIPLE EXTRAADRENAL PHEOCHROMOCYTOMAS; SDHB-Related Hereditary Paraganglioma-Pheochromocytoma Syndrome (Paragangliomas 4); SDHB-Related Hereditary Paraganglioma-Pheochromocytoma Syndrome; PARAGANGLIOMA, FAMILIAL MALIGNANT; PARAGANGLIOMAS, HEREDITARY EXTRAADRENAL; PHEOCHROMOCYTOMA, FAMILIAL EXTRAADRENAL. Identifiers: Orphanet 29072, MedGen C1861848, MONDO:0007273, OMIM 115310.
Pheochromocytoma. Also called: MAX-Related Hereditary Paraganglioma-Pheochromocytoma Syndrome. Identifiers: Orphanet 29072, MedGen C0031511, MONDO:0008233, OMIM 171300, HP:0002666.
Gastrointestinal stromal tumor. Also called: Gastrointestinal stroma tumor; Gastrointestinal stromal tumor, somatic. Identifiers: Orphanet 44890, MedGen C0238198, MeSH D046152, MONDO:0011719, OMIM 606764, HP:0100723.

Allele frequency attached by ClinVar (database versions not stated): gnomAD exomes 0.00001.
gnomAD v4.1: 7 of 1,596,694 alleles (0.00044%); highest among the groups gnomAD compares: East Asian, 0.0022%; no homozygotes.

Submissions (2):

Myriad Genetics, Inc.
Classification: Likely benign for Pheochromocytoma/paraganglioma syndrome 4. Last evaluated: 2025-03-13. Review status: criteria provided, single submitter. Criteria: Myriad Autosomal Dominant, Autosomal Recessive and X-Linked Classification Criteria (2023). Collection method: clinical testing. Allele origin: unknown.
Comment: This variant is considered likely benign. This variant is intronic and is not expected to impact mRNA splicing.

Labcorp Genetics (formerly Invitae), Labcorp
Classification: Likely benign for Gastrointestinal stromal tumor; Pheochromocytoma/paraganglioma syndrome 4; Pheochromocytoma. Last evaluated: 2024-12-26. Review status: criteria provided, single submitter. Criteria: Invitae Variant Classification Sherloc (09022015). Collection method: clinical testing. Allele origin: germline.

NM_003000.3(SDHB):c.642+9C>T

Gene: SDHB (succinate dehydrogenase complex iron sulfur subunit B; minus strand). Cytogenetic location: 1p36.13.
Variant type: single nucleotide variant.
Coding change: c.642+9C>T on transcript NM_003000.3 (MANE Select); 9 bases into the intron after coding-DNA position 642, C replaced by T.
Molecular consequence: intron variant.
Genome position (GRCh38, 1-based): chr1:17,023,964, G>A on the plus strand (C>T on the coding strand, the complement: SDHB is on the minus strand). VCF-style: chr1-17023964-G-A. GRCh37 (hg19) VCF-style: chr1-17350459-G-A.
Identifiers: ClinVar variation 2141418 (VCV002141418.5), dbSNP rs2077977174, ClinGen allele CA1156078602.
Genomic context (GRCh38, chr1:17,023,964, plus strand): 5'-CTATTGTCCTCTTGGACTTCTGGATGCTTGAGTTTCAATTTCTCTTAAAGCAATTAAGGA[G>A]CACCTCACCTGCATAAGAACTGCAGGCCCCAGATATTTGTCTCCGTTCCACCAGTAGCTG-3'